The following is an entry in ClinVar:

NM_001846.4(COL4A2):c.*280C>G

Gene: COL4A2 (collagen type IV alpha 2 chain; plus strand). Cytogenetic location: 13q34.
Variant type: single nucleotide variant.
Coding change: c.*280C>G on transcript NM_001846.4 (MANE Select); 280 bases downstream of the stop codon, C replaced by G.
Molecular consequence: 3 prime UTR variant.
Genome position (GRCh38, 1-based): chr13:110,512,471, C>G. VCF-style: chr13-110512471-C-G. GRCh37 (hg19) VCF-style: chr13-111164818-C-G.
Identifiers: ClinVar variation 311203 (VCV000311203.5), dbSNP rs118089787, ClinGen allele CA10642880.

ClinVar aggregate classification (germline): Benign (1 of 4 stars; one submission).

Conditions:
Brain small vessel disease 2A, autosomal dominant. Also called: Porencephaly 2. Identifiers: Orphanet 2940, Orphanet 99810, MedGen C3280970, MONDO:0013773, OMIM 614483.

Allele frequency attached by ClinVar (database versions not stated): gnomAD 0.00109 and 0.00135; TOPMed 0.00161; 1000 Genomes Project 30x 0.00640; 1000 Genomes Project 0.00659.
gnomAD v4.1: 842 of 510,364 alleles (0.16%); highest among the groups gnomAD compares: East Asian, 2.7%; 16 homozygotes.

Submission:

Illumina Laboratory Services, Illumina
Classification: Benign for Brain small vessel disease 2A, autosomal dominant. Last evaluated: 2018-01-13. Review status: criteria provided, single submitter. Criteria: ICSL Variant Classification Criteria 13 December 2019. Collection method: clinical testing. Allele origin: germline.
Comment: This variant was observed in the ICSL laboratory as part of a predisposition screen in an ostensibly healthy population. It had not been previously curated by ICSL or reported in the Human Gene Mutation Database (HGMD: prior to June 1st, 2018), and was therefore a candidate for classification through an automated scoring system. Utilizing variant allele frequency, disease prevalence and penetrance estimates, and inheritance mode, an automated score was calculated to assess if this variant is too frequent to cause the disease. Based on the score and internal cut-off values, a variant classified as benign is not then subjected to further curation. The score for this variant resulted in a classification of benign for this disease.